The following is an entry in ClinVar:

ClinVar aggregate classification (germline): Uncertain significance (1 of 4 stars; one submission).

Conditions:
Autosomal recessive distal spinal muscular atrophy 1. Also called: HMN VI; Spinal muscular atrophy with respiratory distress 1; NEURONOPATHY, SEVERE INFANTILE AXONAL, WITH RESPIRATORY FAILURE; SEVERE INFANTILE AXONAL NEUROPATHY WITH RESPIRATORY FAILURE; SPINAL MUSCULAR ATROPHY, DIAPHRAGMATIC; NEURONOPATHY, DISTAL HEREDITARY MOTOR, HARDING TYPE VI. Identifiers: Orphanet 98920, MedGen C1858517, MONDO:0011436, OMIM 604320.
Charcot-Marie-Tooth disease axonal type 2S. Also called: CHARCOT-MARIE-TOOTH NEUROPATHY, TYPE 2S; CHARCOT-MARIE-TOOTH DISEASE, AXONAL, AUTOSOMAL RECESSIVE, TYPE 2S. Identifiers: Orphanet 443073, MedGen C4015349, MONDO:0014511, OMIM 616155.

Allele frequency attached by ClinVar (database versions not stated): gnomAD exomes 0.00001.
gnomAD v4.1: 3 of 1,611,088 alleles (0.00019%); highest among the groups gnomAD compares: Non-Finnish European, 0.00025%; no homozygotes.

Submission:

Labcorp Genetics (formerly Invitae), Labcorp
Classification: Uncertain significance for Autosomal recessive distal spinal muscular atrophy 1; Charcot-Marie-Tooth disease axonal type 2S. Last evaluated: 2022-07-14. Review status: criteria provided, single submitter. Criteria: Invitae Variant Classification Sherloc (09022015). Collection method: clinical testing. Allele origin: germline.
Comment: This sequence change replaces arginine, which is basic and polar, with lysine, which is basic and polar, at codon 988 of the IGHMBP2 protein (p.Arg988Lys). The frequency data for this variant in the population databases is considered unreliable, as metrics indicate poor data quality at this position in the gnomAD database. This variant has not been reported in the literature in individuals affected with IGHMBP2-related conditions. Advanced modeling of protein sequence and biophysical properties (such as structural, functional, and spatial information, amino acid conservation, physicochemical variation, residue mobility, and thermodynamic stability) performed at Invitae indicates that this missense variant is not expected to disrupt IGHMBP2 protein function. In summary, the available evidence is currently insufficient to determine the role of this variant in disease. Therefore, it has been classified as a Variant of Uncertain Significance.

NM_002180.3(IGHMBP2):c.2963G>A (p.Arg988Lys)

Gene: IGHMBP2 (immunoglobulin mu DNA binding protein 2; plus strand). Cytogenetic location: 11q13.3.
Variant type: single nucleotide variant.
Coding change: c.2963G>A on transcript NM_002180.3 (MANE Select); coding-DNA position 2963, G replaced by A.
Protein change: p.Arg988Lys; replaces arginine 988 with lysine.
Molecular consequence: missense variant.
Genome position (GRCh38, 1-based): chr11:68,939,712, G>A. VCF-style: chr11-68939712-G-A. GRCh37 (hg19) VCF-style: chr11-68707180-G-A.
Other names: short protein forms R988K.
Identifiers: ClinVar variation 2105938 (VCV002105938.1), dbSNP rs1233402005, ClinGen allele CA381655249.